The following is an entry in ClinVar:

NM_005585.5(SMAD6):c.550A>C (p.Lys184Gln)

Gene: SMAD6 (SMAD family member 6; plus strand). Cytogenetic location: 15q22.31.
Variant type: single nucleotide variant.
Coding change: c.550A>C on transcript NM_005585.5 (MANE Select); coding-DNA position 550, A replaced by C.
Protein change: p.Lys184Gln; replaces lysine 184 with glutamine.
Molecular consequence: missense variant. On other transcripts: non-coding transcript variant (1).
Genome position (GRCh38, 1-based): chr15:66,703,808, A>C. VCF-style: chr15-66703808-A-C. GRCh37 (hg19) VCF-style: chr15-66996146-A-C.
Other names: short protein forms K184Q.
Identifiers: ClinVar variation 2704991 (VCV002704991.3), dbSNP rs1196499540, ClinGen allele CA392949769.

ClinVar aggregate classification (germline): Uncertain significance (1 of 4 stars; one submission).

Conditions:
Aortic valve disease 2 (AOVD2). Identifiers: MedGen C3542024, MONDO:0013902, OMIM 614823.

Submission:

Labcorp Genetics (formerly Invitae), Labcorp
Classification: Uncertain significance for Aortic valve disease 2. Last evaluated: 2023-12-22. Review status: criteria provided, single submitter. Criteria: Invitae Variant Classification Sherloc (09022015). Collection method: clinical testing. Allele origin: germline.
Comment: This sequence change replaces lysine, which is basic and polar, with glutamine, which is neutral and polar, at codon 184 of the SMAD6 protein (p.Lys184Gln). This variant is not present in population databases (gnomAD no frequency). This variant has not been reported in the literature in individuals affected with SMAD6-related conditions. Advanced modeling of protein sequence and biophysical properties (such as structural, functional, and spatial information, amino acid conservation, physicochemical variation, residue mobility, and thermodynamic stability) performed at Invitae indicates that this missense variant is not expected to disrupt SMAD6 protein function with a negative predictive value of 80%. In summary, the available evidence is currently insufficient to determine the role of this variant in disease. Therefore, it has been classified as a Variant of Uncertain Significance.